The following is an entry in ClinVar:

NM_024529.5(CDC73):c.250C>T (p.Pro84Ser)

Gene: CDC73 (cell division cycle 73; plus strand). Cytogenetic location: 1q31.2.
Variant type: single nucleotide variant.
Coding change: c.250C>T on transcript NM_024529.5 (MANE Select); coding-DNA position 250, C replaced by T.
Protein change: p.Pro84Ser; replaces proline 84 with serine.
Molecular consequence: missense variant.
Genome position (GRCh38, 1-based): chr1:193,130,186, C>T. VCF-style: chr1-193130186-C-T. GRCh37 (hg19) VCF-style: chr1-193099316-C-T.
Other names: short protein forms P84S.
Identifiers: ClinVar variation 968909 (VCV000968909.10), dbSNP rs754686636, ClinGen allele CA1303302.

ClinVar aggregate classification (germline): Uncertain significance (1 of 4 stars; one submission).

Conditions:
Parathyroid carcinoma (PRTC). Also called: Parathyroid gland carcinoma; CDC73-Related Parathyroid Carcinoma. Identifiers: Orphanet 143, MedGen C0687150, MONDO:0012004, OMIM 608266, HP:0006780.

Allele frequency attached by ClinVar (database versions not stated): gnomAD exomes below 0.00001; ExAC 0.00001.
gnomAD v4.1: 2 of 1,587,800 alleles (0.00013%); highest among the groups gnomAD compares: Non-Finnish European, 0.00017%; no homozygotes.

Submission:

Labcorp Genetics (formerly Invitae), Labcorp
Classification: Uncertain significance for Parathyroid carcinoma. Last evaluated: 2019-10-27. Review status: criteria provided, single submitter. Criteria: Invitae Variant Classification Sherloc (09022015). Collection method: clinical testing. Allele origin: germline.
Comment: This sequence change replaces proline with serine at codon 84 of the CDC73 protein (p.Pro84Ser). The proline residue is highly conserved and there is a moderate physicochemical difference between proline and serine. This variant is present in population databases (rs754686636, ExAC 0.002%). This variant has not been reported in the literature in individuals with CDC73-related conditions. Algorithms developed to predict the effect of missense changes on protein structure and function (SIFT, PolyPhen-2, Align-GVGD) all suggest that this variant is likely to be tolerated, but these predictions have not been confirmed by published functional studies and their clinical significance is uncertain. In summary, the available evidence is currently insufficient to determine the role of this variant in disease. Therefore, it has been classified as a Variant of Uncertain Significance.